The following is an entry in ClinVar:

ClinVar aggregate classification (germline): Uncertain significance (1 of 4 stars; one submission).

Submission:

GeneDx
Classification: Uncertain significance. Last evaluated: 2023-07-27. Review status: criteria provided, single submitter. Criteria: GeneDx Variant Classification Process June 2021. Collection method: clinical testing. Allele origin: germline. Affected: yes.
Comment: Not observed at significant frequency in large population cohorts (gnomAD); In silico analysis supports that this missense variant does not alter protein structure/function; Has not been previously published as pathogenic or benign to our knowledge

NM_001303052.2(MYT1L):c.744G>C (p.Glu248Asp)

Gene: MYT1L (myelin transcription factor 1 like; minus strand). Cytogenetic location: 2p25.3.
Variant type: single nucleotide variant.
Coding change: c.744G>C on transcript NM_001303052.2 (MANE Select); coding-DNA position 744, G replaced by C.
Protein change: p.Glu248Asp; replaces glutamic acid 248 with aspartic acid.
Molecular consequence: missense variant.
Genome position (GRCh38, 1-based): chr2:1,923,025, C>G on the plus strand (G>C on the coding strand, the complement: MYT1L is on the minus strand). VCF-style: chr2-1923025-C-G. GRCh37 (hg19) VCF-style: chr2-1926797-C-G.
Other names: c.744G>C, p.Glu248Asp (NM_001329844.2, NM_001329845.1, NM_001329846.3 and 6 more transcripts); short protein forms E248D.
Identifiers: ClinVar variation 3361425 (VCV003361425.1).